The following is an entry in ClinVar:

NM_000553.6(WRN):c.3294A>T (p.Leu1098Phe)

Gene: WRN (WRN RecQ like helicase; plus strand). Cytogenetic location: 8p12.
Variant type: single nucleotide variant.
Coding change: c.3294A>T on transcript NM_000553.6 (MANE Select); coding-DNA position 3294, A replaced by T.
Protein change: p.Leu1098Phe; replaces leucine 1098 with phenylalanine.
Molecular consequence: missense variant.
Genome position (GRCh38, 1-based): chr8:31,142,686, A>T. VCF-style: chr8-31142686-A-T. GRCh37 (hg19) VCF-style: chr8-31000202-A-T.
Other names: short protein forms L1098F.
Identifiers: ClinVar variation 1044438 (VCV001044438.2), dbSNP rs1802693310, ClinGen allele CA370923475.

ClinVar aggregate classification (germline): Uncertain significance (1 of 4 stars; one submission).

Conditions:
Werner syndrome (WRN). Identifiers: Orphanet 902, MedGen C0043119, MONDO:0010196, OMIM 277700.

Allele frequency attached by ClinVar (database versions not stated): gnomAD exomes below 0.00001.
gnomAD v4.1: 2 of 1,603,774 alleles (0.00012%); highest among the groups gnomAD compares: Non-Finnish European, 0.00017%; no homozygotes.

Submission:

Labcorp Genetics (formerly Invitae), Labcorp
Classification: Uncertain significance for Werner syndrome. Last evaluated: 2022-03-20. Review status: criteria provided, single submitter. Criteria: Invitae Variant Classification Sherloc (09022015). Collection method: clinical testing. Allele origin: germline.
Comment: This sequence change replaces leucine, which is neutral and non-polar, with phenylalanine, which is neutral and non-polar, at codon 1098 of the WRN protein (p.Leu1098Phe). This variant is not present in population databases (gnomAD no frequency). This variant has not been reported in the literature in individuals affected with WRN-related conditions. ClinVar contains an entry for this variant (Variation ID: 1044438). Algorithms developed to predict the effect of missense changes on protein structure and function are either unavailable or do not agree on the potential impact of this missense change (SIFT: "Not Available"; PolyPhen-2: "Possibly Damaging"; Align-GVGD: "Not Available"). In summary, the available evidence is currently insufficient to determine the role of this variant in disease. Therefore, it has been classified as a Variant of Uncertain Significance.